The following is an entry in ClinVar:

ClinVar aggregate classification (germline): Uncertain significance (1 of 4 stars; one submission).

Submission:

Labcorp Genetics (formerly Invitae), Labcorp
Classification: Uncertain significance. Last evaluated: 2023-08-04. Review status: criteria provided, single submitter. Criteria: Invitae Variant Classification Sherloc (09022015). Collection method: clinical testing. Allele origin: germline.
Comment: This sequence change replaces proline with leucine at codon 360 of the KIZ protein (p.Pro360Leu). The proline residue is moderately conserved and there is a moderate physicochemical difference between proline and leucine. In summary, the available evidence is currently insufficient to determine the role of this variant in disease. Therefore, it has been classified as a Variant of Uncertain Significance. Experimental studies and prediction algorithms are not available or were not evaluated, and the functional significance of this variant is currently unknown. ClinVar contains an entry for this variant (Variation ID: 1450299). This variant has not been reported in the literature in individuals affected with KIZ-related conditions. This variant is not present in population databases (gnomAD no frequency).

NM_018474.6(KIZ):c.1079C>T (p.Pro360Leu)

Gene: KIZ (kizuna centrosomal protein; plus strand). Cytogenetic location: 20p11.23.
Variant type: single nucleotide variant.
Coding change: c.1079C>T on transcript NM_018474.6 (MANE Select); coding-DNA position 1079, C replaced by T.
Protein change: p.Pro360Leu; replaces proline 360 with leucine.
Molecular consequence: missense variant.
Genome position (GRCh38, 1-based): chr20:21,162,886, C>T. VCF-style: chr20-21162886-C-T. GRCh37 (hg19) VCF-style: chr20-21143527-C-T.
Other names: c.770C>T, p.Pro257Leu (NM_001163022.3, NM_001352435.2); c.680C>T, p.Pro227Leu (NM_001163023.3); c.932C>T, p.Pro311Leu (NM_001276389.2); c.1079C>T, p.Pro360Leu (NM_001352434.2); c.737C>T, p.Pro246Leu (NM_001352436.2); short protein forms P246L, P360L, P311L, P227L, P257L.
Identifiers: ClinVar variation 1450299 (VCV001450299.6), dbSNP rs2122701042, ClinGen allele CA408493377.